The following is an entry in ClinVar:

NM_001206927.2(DNAH8):c.8375del (p.Pro2792fs)

Gene: DNAH8 (dynein axonemal heavy chain 8; plus strand). Cytogenetic location: 6p21.2.
Variant type: Deletion.
Coding change: c.8375del on transcript NM_001206927.2 (MANE Select); coding-DNA position 8375, one base deleted (C; older notation c.8375delC).
Protein change: p.Pro2792fs; shifts the reading frame from proline 2792.
Molecular consequence: frameshift variant.
Genome position (GRCh38, 1-based): chr6:38,886,906, C deleted; the last of 3 consecutive C bases (chr6:38,886,904-38,886,906); deleting any one gives the same sequence. VCF-style (leftmost placement, unchanged base first): chr6-38886903-AC-A. GRCh37 (hg19) VCF-style: chr6-38854679-AC-A.
Other names: c.7724del, p.Pro2575fs (NM_001371.4); short protein forms P2792fs, P2575fs.
Identifiers: ClinVar variation 2040014 (VCV002040014.4), dbSNP rs776079621, ClinGen allele CA3790169.

ClinVar aggregate classification (germline): Pathogenic (1 of 4 stars; one submission).

Conditions:
Primary ciliary dyskinesia. Also called: Ciliary dyskinesia. Identifiers: Orphanet 244, MedGen C0008780, MONDO:0016575, HP:0012265.

Submission:

Labcorp Genetics (formerly Invitae), Labcorp
Classification: Pathogenic for Primary ciliary dyskinesia. Last evaluated: 2025-07-02. Review status: criteria provided, single submitter. Criteria: Invitae Variant Classification Sherloc (09022015). Collection method: clinical testing. Allele origin: germline.
Comment: This sequence change creates a premature translational stop signal (p.Pro2792Leufs*12) in the DNAH8 gene. It is expected to result in an absent or disrupted protein product. Loss-of-function variants in DNAH8 are known to be pathogenic (PMID: 24307375, 32619401, 32681648). This variant is present in population databases (rs776079621, gnomAD 0.003%). This variant has not been reported in the literature in individuals affected with DNAH8-related conditions. ClinVar contains an entry for this variant (Variation ID: 2040014). Algorithms developed to predict the effect of sequence changes on RNA splicing suggest that this variant may disrupt the consensus splice site. For these reasons, this variant has been classified as Pathogenic.

Literature cited by the submitters: PubMed 24307375; PubMed 32619401; PubMed 32681648.